The following is an entry in ClinVar:

ClinVar aggregate classification (germline): Uncertain significance. Review status: criteria provided, multiple submitters, no conflicts (2 of 4 stars). 2 submissions from 2 submitters: Uncertain significance (2). Last evaluated 2025-11-26.

Allele frequency attached by ClinVar (database versions not stated): gnomAD exomes 0.00001.
gnomAD v4.1: 4 of 1,602,740 alleles (0.00025%); highest among the groups gnomAD compares: Non-Finnish European, 0.00026%; no homozygotes.

Submissions (2):

Ambry Genetics
Classification: Uncertain significance. Last evaluated: 2025-11-26. Review status: criteria provided, single submitter. Criteria: Ambry Variant Classification Scheme 2023. Collection method: clinical testing. Allele origin: germline.

Labcorp Genetics (formerly Invitae), Labcorp
Classification: Uncertain significance. Last evaluated: 2023-08-09. Review status: criteria provided, single submitter. Criteria: Invitae Variant Classification Sherloc (09022015). Collection method: clinical testing. Allele origin: germline.
Comment: An algorithm developed to predict the effect of missense changes on protein structure and function (PolyPhen-2) suggests that this variant is likely to be tolerated. In summary, the available evidence is currently insufficient to determine the role of this variant in disease. Therefore, it has been classified as a Variant of Uncertain Significance. ClinVar contains an entry for this variant (Variation ID: 1026503). This variant has not been reported in the literature in individuals affected with ADGRA3-related conditions. This variant is not present in population databases (gnomAD no frequency). This sequence change replaces lysine, which is basic and polar, with glutamic acid, which is acidic and polar, at codon 132 of the ADGRA3 protein (p.Lys132Glu).

NM_145290.4(ADGRA3):c.394A>G (p.Lys132Glu)

Gene: ADGRA3 (adhesion G protein-coupled receptor A3; minus strand). Cytogenetic location: 4p15.2.
Variant type: single nucleotide variant.
Coding change: c.394A>G on transcript NM_145290.4 (MANE Select); coding-DNA position 394, A replaced by G.
Protein change: p.Lys132Glu; replaces lysine 132 with glutamic acid.
Molecular consequence: missense variant.
Genome position (GRCh38, 1-based): chr4:22,461,744, T>C on the plus strand (A>G on the coding strand, the complement: ADGRA3 is on the minus strand). VCF-style: chr4-22461744-T-C. GRCh37 (hg19) VCF-style: chr4-22463367-T-C.
Other names: c.394A>G (NM_145290.2); short protein forms K132E.
Identifiers: ClinVar variation 1026503 (VCV001026503.10), dbSNP rs1717464188, ClinGen allele CA356480423.